The following is an entry in ClinVar:

ClinVar aggregate classification (germline): Uncertain significance (1 of 4 stars; one submission).

Conditions:
Alzheimer disease 3 (AD3). Also called: ALZHEIMER DISEASE, FAMILIAL, 3. Identifiers: Orphanet 1020, MedGen C1843013, MONDO:0011913, OMIM 607822.
Acne inversa, familial, 3 (ACNINV3). Identifiers: MedGen C3151038, MONDO:0013398, OMIM 613737.
Frontotemporal dementia (FTD1). Also called: WILHELMSEN-LYNCH DISEASE; Frontotemporal lobe dementia (FLDEM); MULTIPLE SYSTEM TAUOPATHY WITH PRESENILE DEMENTIA; Frontotemporal Dementia with Parkinsonism-17 (FTDP-17); Dementia, frontotemporal, with or without parkinsonism; FRONTOTEMPORAL DEMENTIA WITH PARKINSONISM. Identifiers: Orphanet 282, MedGen C0338451, MONDO:0017276, OMIM 600274, HP:0002145.
Pick disease. Also called: Pick Disease of the Brain; LOBAR ATROPHY OF BRAIN; Pick's disease; PICK DISEASE OF BRAIN; DEMENTIA WITH LOBAR ATROPHY AND NEURONAL CYTOPLASMIC INCLUSIONS. Identifiers: Orphanet 282, MedGen C0236642, MONDO:0008243, OMIM 172700.

Allele frequency attached by ClinVar (database versions not stated): gnomAD exomes below 0.00001; ExAC 0.00001.
gnomAD v4.1: 1 of 1,614,074 alleles (0.000062%); no homozygotes.

Submission:

Labcorp Genetics (formerly Invitae), Labcorp
Classification: Uncertain significance for Alzheimer disease 3; Pick disease; Acne inversa, familial, 3; Frontotemporal dementia. Last evaluated: 2023-11-18. Review status: criteria provided, single submitter. Criteria: Invitae Variant Classification Sherloc (09022015). Collection method: clinical testing. Allele origin: germline.
Comment: This sequence change replaces alanine, which is neutral and non-polar, with serine, which is neutral and polar, at codon 299 of the PSEN1 protein (p.Ala299Ser). This variant is present in population databases (rs778244504, gnomAD 0.01%). This variant has not been reported in the literature in individuals affected with PSEN1-related conditions. Advanced modeling of protein sequence and biophysical properties (such as structural, functional, and spatial information, amino acid conservation, physicochemical variation, residue mobility, and thermodynamic stability) performed at Invitae indicates that this missense variant is not expected to disrupt PSEN1 protein function with a negative predictive value of 80%. In summary, the available evidence is currently insufficient to determine the role of this variant in disease. Therefore, it has been classified as a Variant of Uncertain Significance.

NM_000021.4(PSEN1):c.895G>T (p.Ala299Ser)

Gene: PSEN1 (presenilin 1; plus strand). Cytogenetic location: 14q24.2.
Variant type: single nucleotide variant.
Coding change: c.895G>T on transcript NM_000021.4 (MANE Select); coding-DNA position 895, G replaced by T.
Protein change: p.Ala299Ser; replaces alanine 299 with serine.
Molecular consequence: missense variant.
Genome position (GRCh38, 1-based): chr14:73,206,412, G>T. VCF-style: chr14-73206412-G-T. GRCh37 (hg19) VCF-style: chr14-73673120-G-T.
Other names: c.883G>T, p.Ala295Ser (NM_007318.3); short protein forms A295S, A299S.
Identifiers: ClinVar variation 2953469 (VCV002953469.3), dbSNP rs778244504, ClinGen allele CA7256852.